The following is an entry in ClinVar:

ClinVar aggregate classification (germline): Conflicting classifications of pathogenicity. Review status: criteria provided, conflicting classifications (1 of 4 stars). 2 submissions from 2 submitters: Pathogenic (1); Uncertain significance (1). Last evaluated 2024-04-23.

Conditions:
Developmental and epileptic encephalopathy, 48 (DEE48). Also called: Epileptic encephalopathy, early infantile, 48. Identifiers: MedGen C4310637, MONDO:0015000, OMIM 617276.

Submissions (2):

Institute of Human Genetics, University of Leipzig Medical Center
Classification: Pathogenic for Developmental and epileptic encephalopathy, 48. Last evaluated: 2024-04-23. Review status: criteria provided, single submitter. Criteria: ACMG Guidelines, 2015. Collection method: clinical testing. Allele origin: inherited. Inheritance: Autosomal recessive inheritance. Affected: yes.
Comment: Criteria applied: PVS1,PM2_SUP,PM3_SUP

CeGaT Center for Human Genetics Tuebingen
Classification: Uncertain significance. Last evaluated: 2017-03-01. Review status: criteria provided, single submitter. Criteria: CeGaT Center For Human Genetics Tuebingen Variant Classification Criteria Version 2. Collection method: clinical testing. Allele origin: germline. Affected: yes. Observed: 1 variant allele.

NM_001278512.2(AP3B2):c.2261+2T>C

Genes: AP3B2 (adaptor related protein complex 3 subunit beta 2; minus strand), CPEB1-AS1 (CPEB1 antisense RNA 1; plus strand). Cytogenetic location: 15q25.2.
Variant type: single nucleotide variant.
Coding change: c.2261+2T>C on transcript NM_001278512.2 (MANE Select); the canonical splice donor site of the intron after coding-DNA position 2261, T replaced by C.
Molecular consequence: splice donor variant.
Genome position (GRCh38, 1-based): chr15:82,664,365, A>G on the plus strand (T>C on the coding strand, the complement: AP3B2 is on the minus strand). VCF-style: chr15-82664365-A-G. GRCh37 (hg19) VCF-style: chr15-83333117-A-G.
Other names: c.2108+2T>C (NM_001278511.2); c.2204+2T>C (NM_004644.5).
Identifiers: ClinVar variation 444351 (VCV000444351.45), dbSNP rs1555464774, ClinGen allele CA393311779.